The following is an entry in ClinVar:

ClinVar aggregate classification (germline): Uncertain significance. Review status: criteria provided, multiple submitters, no conflicts (2 of 4 stars). 3 submissions from 3 submitters: Uncertain significance (3). Last evaluated 2025-11-06.

Conditions:
Cardiovascular phenotype. Identifiers: MedGen CN230736.
Dilated cardiomyopathy 1W (CMD1W). Identifiers: Orphanet 154, MedGen C1969639, MONDO:0012667, OMIM 611407.

Allele frequency attached by ClinVar (database versions not stated): gnomAD 0.00001; TOPMed 0.00001; gnomAD exomes 0.00002.

Submissions (3):

Ambry Genetics
Classification: Uncertain significance for Cardiovascular phenotype. Last evaluated: 2025-11-06. Review status: criteria provided, single submitter. Criteria: Ambry Variant Classification Scheme 2023. Collection method: clinical testing. Allele origin: germline.
Comment: The p.I408T variant (also known as c.1223T>C), located in coding exon 10 of the VCL gene, results from a T to C substitution at nucleotide position 1223. The isoleucine at codon 408 is replaced by threonine, an amino acid with some similar properties. This amino acid position is highly conserved in available vertebrate species. In addition, the in silico prediction for this alteration is inconclusive. Based on the available evidence, the clinical significance of this variant remains unclear.

Labcorp Genetics (formerly Invitae), Labcorp
Classification: Uncertain significance for Dilated cardiomyopathy 1W. Last evaluated: 2025-02-03. Review status: criteria provided, single submitter. Criteria: Invitae Variant Classification Sherloc (09022015). Collection method: clinical testing. Allele origin: germline.
Comment: This sequence change replaces isoleucine, which is neutral and non-polar, with threonine, which is neutral and polar, at codon 408 of the VCL protein (p.Ile408Thr). This variant is not present in population databases (gnomAD no frequency). This variant has not been reported in the literature in individuals affected with VCL-related conditions. ClinVar contains an entry for this variant (Variation ID: 240876). An algorithm developed to predict the effect of missense changes on protein structure and function (PolyPhen-2) suggests that this variant is likely to be tolerated. In summary, the available evidence is currently insufficient to determine the role of this variant in disease. Therefore, it has been classified as a Variant of Uncertain Significance.

Illumina Laboratory Services, Illumina
Classification: Uncertain significance for Dilated cardiomyopathy 1W. Last evaluated: 2018-01-13. Review status: criteria provided, single submitter. Criteria: ICSL Variant Classification Criteria 13 December 2019. Collection method: clinical testing. Allele origin: germline.

NM_014000.3(VCL):c.1223T>C (p.Ile408Thr)

Gene: VCL (vinculin; plus strand). Cytogenetic location: 10q22.2.
Variant type: single nucleotide variant.
Coding change: c.1223T>C on transcript NM_014000.3 (MANE Select); coding-DNA position 1223, T replaced by C.
Protein change: p.Ile408Thr; replaces isoleucine 408 with threonine.
Molecular consequence: missense variant.
Genome position (GRCh38, 1-based): chr10:74,090,069, T>C. VCF-style: chr10-74090069-T-C. GRCh37 (hg19) VCF-style: chr10-75849827-T-C.
Other names: c.1223T>C, p.Ile408Thr (NM_003373.4); short protein forms I408T.
Identifiers: ClinVar variation 240876 (VCV000240876.18), dbSNP rs878854969, ClinGen allele CA10582734.